The following is an entry in ClinVar:

NM_000520.6(HEXA):c.709C>T (p.Gln237Ter)

Gene: HEXA (hexosaminidase subunit alpha; minus strand). Cytogenetic location: 15q23.
Variant type: single nucleotide variant.
Coding change: c.709C>T on transcript NM_000520.6 (MANE Select); coding-DNA position 709, C replaced by T.
Protein change: p.Gln237Ter; replaces glutamine 237 with a stop codon.
Molecular consequence: nonsense. On other transcripts: non-coding transcript variant (1).
Genome position (GRCh38, 1-based): chr15:72,350,614, G>A on the plus strand (C>T on the coding strand, the complement: HEXA is on the minus strand). VCF-style: chr15-72350614-G-A. GRCh37 (hg19) VCF-style: chr15-72642955-G-A.
Other names: c.709C>T (NM_000520.5); c.742C>T, p.Gln248Ter (NM_001318825.2); short protein forms Q237*, Q248*.
Identifiers: ClinVar variation 370659 (VCV000370659.13), dbSNP rs150675340, ClinGen allele CA16041737.

ClinVar aggregate classification (germline): Pathogenic/Likely pathogenic. Review status: criteria provided, multiple submitters, no conflicts (2 of 4 stars). 5 submissions from 5 submitters: Pathogenic (2); Likely pathogenic (1). 2 of the submissions do not count toward it. Last evaluated 2025-04-28.

Conditions:
HEXA-related disorder. Also called: HEXA-related condition.
Tay-Sachs disease (TSD). Also called: HEXA DEFICIENCY; GM2 gangliosidosis, type 1; Hexosaminidase alpha-subunit deficiency (variant B); Sphingolipidosis, Tay-Sachs; Hexosaminidase A Deficiency; HEXA Disorders. Identifiers: Orphanet 845, MedGen C0039373, MONDO:0010100, OMIM 272800.

Allele frequency attached by ClinVar (database versions not stated): gnomAD exomes below 0.00001; ESP Exome Variant Server 0.00008.
gnomAD v4.1: 2 of 1,614,022 alleles (0.00012%); highest among the groups gnomAD compares: Non-Finnish European, 0.00017%; no homozygotes.

Submissions (5):

Natera, Inc.
Classification: Likely pathogenic for Tay-Sachs disease. Last evaluated: 2025-04-28. Review status: criteria provided, single submitter. Criteria: Natera Variant Classification Schema (03/2026). Collection method: clinical testing. Allele origin: germline.
Comment: The c.709C>T variant in HEXA is a nonsense variant predicted to introduce a stop codon at amino acid 237. This variant is expected to result in nonsense mediated decay, truncation, or a dysfunctional protein product. This variant is rare in the general population with a frequency below the threshold expected for the associated phenotype(s). Given the available evidence, this variant is classified as Likely Pathogenic.

PreventionGenetics, part of Exact Sciences
Classification: Pathogenic for HEXA-related condition. Last evaluated: 2023-03-20. Review status: criteria provided, single submitter. Criteria: ACMG Guidelines, 2015. Collection method: clinical testing. Allele origin: germline.
Comment: The HEXA c.709C>T variant is predicted to result in premature protein termination (p.Gln237*). This variant has previously been reported in the homozygous state in an individual with Tay-Sachs disease (Sheth et al. 2014. PubMed ID: 27896118). This variant has not been reported in a large population database, indicating this variant is rare. Nonsense variants in HEXA are expected to be pathogenic. This variant is interpreted as pathogenic.

Labcorp Genetics (formerly Invitae), Labcorp
Classification: Pathogenic for Tay-Sachs disease. Last evaluated: 2022-04-09. Review status: criteria provided, single submitter. Criteria: Invitae Variant Classification Sherloc (09022015). Collection method: clinical testing. Allele origin: germline.
Comment: This variant has not been reported in the literature in individuals affected with HEXA-related conditions. This variant is not present in population databases (gnomAD no frequency). This sequence change creates a premature translational stop signal (p.Gln237*) in the HEXA gene. It is expected to result in an absent or disrupted protein product. Loss-of-function variants in HEXA are known to be pathogenic (PMID: 1833974, 8490625). ClinVar contains an entry for this variant (Variation ID: 370659). For these reasons, this variant has been classified as Pathogenic.

Counsyl
Classification: Likely pathogenic for Tay-Sachs disease. Last evaluated: 2016-04-05. Review status: no assertion criteria provided. Collection method: clinical testing. Allele origin: unknown. Not counted in ClinVar's aggregate classification.

Foundation for Research in Genetics and Endocrinology, FRIGE's Institute of Human Genetics
Classification: Pathogenic for Tay-Sachs disease. Last evaluated: 2011-09-11. Review status: no assertion criteria provided. Collection method: research. Allele origin: germline. Inheritance: Autosomal recessive inheritance. Affected: yes. Observed: 1 homozygote. Not counted in ClinVar's aggregate classification.

Literature cited by the submitters: PubMed 1833974 (cited by Labcorp Genetics (formerly Invitae), Labcorp); PubMed 8490625 (cited by Labcorp Genetics (formerly Invitae), Labcorp); PubMed 27896118 (cited by Foundation for Research in Genetics and Endocrinology, FRIGE's Institute of Human Genetics).